The following is an entry in ClinVar:

NM_006389.5(HYOU1):c.2376+17G>A

Gene: HYOU1 (hypoxia up-regulated 1; minus strand). Cytogenetic location: 11q23.3.
Variant type: single nucleotide variant.
Coding change: c.2376+17G>A on transcript NM_006389.5 (MANE Select); 17 bases into the intron after coding-DNA position 2376, G replaced by A.
Molecular consequence: intron variant.
Genome position (GRCh38, 1-based): chr11:119,048,231, C>T on the plus strand (G>A on the coding strand, the complement: HYOU1 is on the minus strand). VCF-style: chr11-119048231-C-T. GRCh37 (hg19) VCF-style: chr11-118918943-C-T.
Other names: c.2376+17G>A (NM_001130991.3, NM_001411041.1).
Identifiers: ClinVar variation 2750200 (VCV002750200.3), dbSNP rs1944201919, ClinGen allele CA2616344291.

ClinVar aggregate classification (germline): Uncertain significance (1 of 4 stars; one submission).

Allele frequency attached by ClinVar (database versions not stated): gnomAD exomes below 0.00001.
gnomAD v4.1: 1 of 1,609,908 alleles (0.000062%); highest among the groups gnomAD compares: Non-Finnish European, 0.000085%; no homozygotes.

Submission:

Labcorp Genetics (formerly Invitae), Labcorp
Classification: Uncertain significance. Last evaluated: 2023-08-14. Review status: criteria provided, single submitter. Criteria: Invitae Variant Classification Sherloc (09022015). Collection method: clinical testing. Allele origin: germline.
Comment: In summary, the available evidence is currently insufficient to determine the role of this variant in disease. Therefore, it has been classified as a Variant of Uncertain Significance. This variant has not been reported in the literature in individuals affected with HYOU1-related conditions. This variant is not present in population databases (gnomAD no frequency). This sequence change falls in intron 20 of the HYOU1 gene. It does not directly change the encoded amino acid sequence of the HYOU1 protein.